The following is an entry in ClinVar:

NM_022124.6(CDH23):c.1916_1919delinsATCCAT (p.Leu639fs)

Gene: CDH23 (cadherin related 23; plus strand). Cytogenetic location: 10q22.1.
Variant type: Indel.
Coding change: c.1916_1919delinsATCCAT on transcript NM_022124.6 (MANE Select); coding-DNA positions 1916 to 1919, TGAC replaced by ATCCAT.
Protein change: p.Leu639fs; shifts the reading frame from leucine 639.
Molecular consequence: frameshift variant.
Genome position (GRCh38, 1-based): chr10:71,682,502-71,682,505, TGAC replaced by ATCCAT. VCF-style: chr10-71682502-TGAC-ATCCAT. GRCh37 (hg19) VCF-style: chr10-73442259-TGAC-ATCCAT.
Other names: c.1916_1919delinsATCCAT, p.Leu639fs (NM_001171930.2, NM_001171931.2); short protein forms L639fs.
Identifiers: ClinVar variation 971042 (VCV000971042.6), dbSNP rs1864695566, ClinGen allele CA1139661495.

ClinVar aggregate classification (germline): Pathogenic (1 of 4 stars; one submission).

Submission:

Labcorp Genetics (formerly Invitae), Labcorp
Classification: Pathogenic. Last evaluated: 2019-07-17. Review status: criteria provided, single submitter. Criteria: Invitae Variant Classification Sherloc (09022015). Collection method: clinical testing. Allele origin: germline.
Comment: This variant has not been reported in the literature in individuals with CDH23-related conditions. For these reasons, this variant has been classified as Pathogenic. Loss-of-function variants in CDH23 are known to be pathogenic (PMID: 11138009, 21940737). This variant is not present in population databases (ExAC no frequency). This sequence change creates a premature translational stop signal (p.Leu639Hisfs*56) in the CDH23 gene. It is expected to result in an absent or disrupted protein product.

Literature cited by the submitters: PubMed 11138009; PubMed 21940737.